The following is an entry in ClinVar:

ClinVar aggregate classification (germline): Likely benign. Review status: criteria provided, single submitter (1 of 4 stars). 2 submissions from 2 submitters: Likely benign (1). 1 of the submissions does not count toward it. Last evaluated 2025-06-04.

Conditions:
RNF213-related disorder. Also called: RNF213-related condition.

Allele frequency attached by ClinVar (database versions not stated): TOPMed 0.00003; gnomAD 0.00005; ExAC 0.00007.
gnomAD v4.1: 46 of 1,613,988 alleles (0.0029%); highest among the groups gnomAD compares: Middle Eastern, 0.21%; no homozygotes.

Submissions (2):

Mayo Clinic Laboratories, Mayo Clinic
Classification: Likely benign. Last evaluated: 2025-06-04. Review status: criteria provided, single submitter. Criteria: ACMG Guidelines, 2015. Collection method: clinical testing. Allele origin: germline. Observed: 1 variant allele.
Comment: BP4, BP7

PreventionGenetics, part of Exact Sciences
Classification: Likely benign for RNF213-related condition. Last evaluated: 2019-02-20. Review status: no assertion criteria provided. Collection method: clinical testing. Allele origin: germline. Not counted in ClinVar's aggregate classification.
Comment: This variant is classified as likely benign based on ACMG/AMP sequence variant interpretation guidelines (Richards et al. 2015 PMID: 25741868, with internal and published modifications).

NM_001256071.3(RNF213):c.7761C>T (p.Asp2587=)

Gene: RNF213 (ring finger protein 213; plus strand). Cytogenetic location: 17q25.3.
Variant type: single nucleotide variant.
Coding change: c.7761C>T on transcript NM_001256071.3 (MANE Select); coding-DNA position 7761, C replaced by T.
Protein change: p.Asp2587=; no amino-acid change (aspartic acid 2587 retained).
Molecular consequence: synonymous variant.
Genome position (GRCh38, 1-based): chr17:80,346,096, C>T. VCF-style: chr17-80346096-C-T. GRCh37 (hg19) VCF-style: chr17-78319896-C-T.
Other names: p.Asp2587=; c.7908C>T, p.Asp2636= (NM_001410195.1, NM_020914.5).
Identifiers: ClinVar variation 3047338 (VCV003047338.3), dbSNP rs756451900, ClinGen allele CA8820799.